The following is an entry in ClinVar:

NM_007289.4(MME):c.1819T>C (p.Trp607Arg)

Gene: MME (membrane metalloendopeptidase; plus strand). Cytogenetic location: 3q25.2.
Variant type: single nucleotide variant.
Coding change: c.1819T>C on transcript NM_007289.4 (MANE Select); coding-DNA position 1819, T replaced by C.
Protein change: p.Trp607Arg; replaces tryptophan 607 with arginine.
Molecular consequence: missense variant.
Genome position (GRCh38, 1-based): chr3:155,168,530, T>C. VCF-style: chr3-155168530-T-C. GRCh37 (hg19) VCF-style: chr3-154886319-T-C.
Other names: c.1819T>C, p.Trp607Arg (NM_000902.5, NM_001354642.2, NM_001354643.1 and 2 more transcripts); short protein forms W607R.
Identifiers: ClinVar variation 1347997 (VCV001347997.6), dbSNP rs950637527, ClinGen allele CA86315744.

ClinVar aggregate classification (germline): Uncertain significance (1 of 4 stars; one submission).

Allele frequency attached by ClinVar (database versions not stated): gnomAD exomes below 0.00001; TOPMed 0.00001.
gnomAD v4.1: 1 of 1,613,490 alleles (0.000062%); highest among the groups gnomAD compares: Non-Finnish European, 0.000085%; no homozygotes.

Submission:

Labcorp Genetics (formerly Invitae), Labcorp
Classification: Uncertain significance. Last evaluated: 2024-08-28. Review status: criteria provided, single submitter. Criteria: Invitae Variant Classification Sherloc (09022015). Collection method: clinical testing. Allele origin: germline.
Comment: This sequence change replaces tryptophan, which is neutral and slightly polar, with arginine, which is basic and polar, at codon 607 of the MME protein (p.Trp607Arg). This variant is not present in population databases (gnomAD no frequency). This variant has not been reported in the literature in individuals affected with MME-related conditions. ClinVar contains an entry for this variant (Variation ID: 1347997). Invitae Evidence Modeling of protein sequence and biophysical properties (such as structural, functional, and spatial information, amino acid conservation, physicochemical variation, residue mobility, and thermodynamic stability) indicates that this missense variant is expected to disrupt MME protein function with a positive predictive value of 80%. In summary, the available evidence is currently insufficient to determine the role of this variant in disease. Therefore, it has been classified as a Variant of Uncertain Significance.